The following is an entry in ClinVar:

NM_001876.4(CPT1A):c.2028+2T>G

Gene: CPT1A (carnitine palmitoyltransferase 1A; minus strand). Cytogenetic location: 11q13.3.
Variant type: single nucleotide variant.
Coding change: c.2028+2T>G on transcript NM_001876.4 (MANE Select); the canonical splice donor site of the intron after coding-DNA position 2028, T replaced by G.
Molecular consequence: splice donor variant.
Genome position (GRCh38, 1-based): chr11:68,761,533, A>C on the plus strand (T>G on the coding strand, the complement: CPT1A is on the minus strand). VCF-style: chr11-68761533-A-C. GRCh37 (hg19) VCF-style: chr11-68529001-A-C.
Other names: c.2028+2T>G (NM_001031847.3).
Identifiers: ClinVar variation 553067 (VCV000553067.6), dbSNP rs1555226417, ClinGen allele CA381626353.

ClinVar aggregate classification (germline): Likely pathogenic. Review status: criteria provided, multiple submitters, no conflicts (2 of 4 stars). 3 submissions from 3 submitters: Likely pathogenic (2). 1 of the submissions does not count toward it. Last evaluated 2023-01-24.

Conditions:
Carnitine palmitoyl transferase 1A deficiency. Also called: Carnitine palmitoyltransferase type I deficiency; Carnitine palmitoyltransferase 1A deficiency; CPT deficiency, hepatic, type IA; CPT I DEFICIENCY; CPT DEFICIENCY, HEPATIC, TYPE I. Identifiers: Orphanet 156, MedGen C1829703, MONDO:0009705, OMIM 255120.

gnomAD v4.1: 1 of 1,613,880 alleles (0.000062%); highest among the groups gnomAD compares: Non-Finnish European, 0.000085%; no homozygotes.

Submissions (3):

Labcorp Genetics (formerly Invitae), Labcorp
Classification: Likely pathogenic for Carnitine palmitoyl transferase 1A deficiency. Last evaluated: 2023-01-24. Review status: criteria provided, single submitter. Criteria: Invitae Variant Classification Sherloc (09022015). Collection method: clinical testing. Allele origin: germline.
Comment: This variant has not been reported in the literature in individuals affected with CPT1A-related conditions. In summary, the currently available evidence indicates that the variant is pathogenic, but additional data are needed to prove that conclusively. Therefore, this variant has been classified as Likely Pathogenic. Algorithms developed to predict the effect of sequence changes on RNA splicing suggest that this variant may disrupt the consensus splice site. ClinVar contains an entry for this variant (Variation ID: 553067). This variant is not present in population databases (gnomAD no frequency). This sequence change affects a donor splice site in intron 16 of the CPT1A gene. It is expected to disrupt RNA splicing. Variants that disrupt the donor or acceptor splice site typically lead to a loss of protein function (PMID: 16199547), and loss-of-function variants in CPT1A are known to be pathogenic (PMID: 16169268).

Baylor Genetics
Classification: Likely pathogenic for Carnitine palmitoyl transferase 1A deficiency. Last evaluated: 2022-07-01. Review status: criteria provided, single submitter. Criteria: ACMG Guidelines, 2015. Collection method: clinical testing. Allele origin: unknown.

Counsyl
Classification: Likely pathogenic for Carnitine palmitoyl transferase 1A deficiency. Last evaluated: 2017-08-01. Review status: no assertion criteria provided. Collection method: clinical testing. Allele origin: unknown. Not counted in ClinVar's aggregate classification.

Literature cited by the submitters: PubMed 16199547 (cited by Labcorp Genetics (formerly Invitae), Labcorp); PubMed 16169268 (cited by Labcorp Genetics (formerly Invitae), Labcorp).